The following is an entry in ClinVar:

NM_000257.4(MYH7):c.5790+10T>C

Gene: MYH7 (myosin heavy chain 7; minus strand). Cytogenetic location: 14q11.2.
Variant type: single nucleotide variant.
Coding change: c.5790+10T>C on transcript NM_000257.4 (MANE Select); 10 bases into the intron after coding-DNA position 5790, T replaced by C.
Molecular consequence: intron variant.
Genome position (GRCh38, 1-based): chr14:23,413,749, A>G on the plus strand (T>C on the coding strand, the complement: MYH7 is on the minus strand). VCF-style: chr14-23413749-A-G. GRCh37 (hg19) VCF-style: chr14-23882958-A-G.
Other names: c.5790+10T>C (LRG_384t1).
Identifiers: ClinVar variation 512211 (VCV000512211.11), dbSNP rs546582990, ClinGen allele CA048261.

ClinVar aggregate classification (germline): Likely benign. Review status: criteria provided, multiple submitters, no conflicts (2 of 4 stars). 3 submissions from 3 submitters: Likely benign (3). Last evaluated 2024-10-16.

Conditions:
Hypertrophic cardiomyopathy. Also called: HYPERTROPHIC MYOCARDIOPATHY. Identifiers: Orphanet 217569, MedGen C0007194, MeSH D002312, MONDO:0005045, HP:0001639.

Allele frequency attached by ClinVar (database versions not stated): gnomAD 0.00001; ExAC 0.00002; 1000 Genomes Project 0.00040; 1000 Genomes Project 30x 0.00047.
gnomAD v4.1: 21 of 1,613,760 alleles (0.0013%); highest among the groups gnomAD compares: South Asian, 0.02%; no homozygotes.

Submissions (3):

Labcorp Genetics (formerly Invitae), Labcorp
Classification: Likely benign for Hypertrophic cardiomyopathy. Last evaluated: 2024-10-16. Review status: criteria provided, single submitter. Criteria: Invitae Variant Classification Sherloc (09022015). Collection method: clinical testing. Allele origin: germline.

Blueprint Genetics
Classification: Likely benign. Last evaluated: 2021-01-27. Review status: criteria provided, single submitter. Criteria: ACMG Guidelines, 2015. Collection method: clinical testing. Allele origin: germline.

GeneDx
Classification: Likely benign. Last evaluated: 2017-09-21. Review status: criteria provided, single submitter. Criteria: GeneDx Variant Classification (06012015). Collection method: clinical testing. Allele origin: germline. Affected: yes.
Comment: This variant is considered likely benign or benign based on one or more of the following criteria: it is a conservative change, it occurs at a poorly conserved position in the protein, it is predicted to be benign by multiple in silico algorithms, and/or has population frequency not consistent with disease.